The following is an entry in ClinVar:

NM_001162498.3(LPAR6):c.562A>T (p.Ile188Phe)

Genes: LPAR6 (lysophosphatidic acid receptor 6; minus strand), RB1 (RB transcriptional corepressor 1; plus strand). Cytogenetic location: 13q14.2.
Variant type: single nucleotide variant.
Coding change: c.562A>T on transcript NM_001162498.3 (MANE Select); coding-DNA position 562, A replaced by T.
Protein change: p.Ile188Phe; replaces isoleucine 188 with phenylalanine.
Molecular consequence: missense variant. On other transcripts: intron variant (2).
Genome position (GRCh38, 1-based): chr13:48,411,862, T>A on the plus strand (A>T on the coding strand, the complement: LPAR6 is on the minus strand). VCF-style: chr13-48411862-T-A. GRCh37 (hg19) VCF-style: chr13-48985998-T-A.
Other names: c.1695+30419T>A (NM_001407165.1, NM_000321.3); c.562A>T, p.Ile188Phe (NM_001162497.3, NM_001377316.2, NM_001377317.2 and 1 more transcripts); short protein forms I188F.
Identifiers: ClinVar variation 1827 (VCV000001827.6), dbSNP rs121434307, ClinGen allele CA026392.

ClinVar aggregate classification (germline): Pathogenic/Likely pathogenic. Review status: criteria provided, multiple submitters, no conflicts (2 of 4 stars). 4 submissions from 4 submitters: Pathogenic (2); Likely pathogenic (1). 1 of the submissions does not count toward it.

Conditions:
Wooly hair, autosomal recessive 1, with or without hypotrichosis. Also called: Woolly hair, autosomal recessive 1, with or without hypotrichosis. Identifiers: MedGen C1848435, MONDO:0800312.
Hypotrichosis 8 (HYPT8). Also called: HYPOTRICHOSIS, LOCALIZED, AUTOSOMAL RECESSIVE 3. Identifiers: Orphanet 55654, MedGen C3279470, MONDO:0010206, OMIM 278150.

Allele frequency attached by ClinVar (database versions not stated): ExAC 0.00002.
gnomAD v4.1: 33 of 1,613,910 alleles (0.002%); highest among the groups gnomAD compares: South Asian, 0.036%; no homozygotes.

Submissions (4):

Kasturba Medical College, Manipal, Kasturba Medical College, Manipal, Manipal Academy of Higher Education, Manipal, India
Classification: Pathogenic for Hypotrichosis 8. Review status: criteria provided, single submitter. Criteria: ACMG Guidelines, 2015. Collection method: research. Allele origin: biparental. Inheritance: Autosomal recessive inheritance. Affected: yes. Observed: 1 homozygote.
Comment: The variant is absent in homozygous state in population database gnomAD (v4.1.0) and in-house database of 3429 exomes. This variant was observed in heterozygous state in 33 individuals in gnomAD and absent in in-house database. In-silico prediction tools (CADD, REVEL) are consistent in predicting the variant to be damaging to the LPAR6 protein function. The clinical features observed in the proband are in concordance with woolly hair, autosomal recessive 1, with or without hypotrichosis.

Neuberg Centre For Genomic Medicine, NCGM
Classification: Pathogenic for Hypotrichosis 8. Review status: criteria provided, single submitter. Criteria: ACMG Guidelines, 2015. Collection method: clinical testing. Allele origin: germline. Inheritance: Autosomal dominant inheritance. Affected: yes.
Comment: This missense variant occurs in well defined functional domain (Shimomura Y, et al., 2008). Experimental analysis revealed that this variant did not display any response to ligand oleoyl-L-alpha-lysophosphatidic acid (LPA), indicating that this mutant has defects in LPA binding or signal transduction (Yanagida K, et al., 2023; Raza SI, et al., 2014). For these reasons, the variant has been classified as Pathogenic.

SIB Swiss Institute of Bioinformatics
Classification: Likely pathogenic for Hypotrichosis 8. Review status: criteria provided, single submitter. Criteria: ACMG Guidelines, 2015. Collection method: curation. Allele origin: unknown.
Comment: This variant is interpreted as likely pathogenic for Woolly hair autosomal recessive 1 with or without hypotrichosis. The following ACMG Tag(s) were applied: Absent from controls (or at extremely low frequency if recessive) in Exome Sequencing Project, 1000 Genomes Project, or Exome Aggregation Consortium (PM2); Cosegregation with disease in multiple affected family members in a gene definitively known to cause the disease (PP1); For recessive disorders, detected in trans with a pathogenic variant (PM3); Well-established functional studies show a deleterious effect (PS3 downgraded to supporting); Multiple lines of computational evidence support a deleterious effect on the gene or gene product (PP3).

OMIM
Classification: Pathogenic for WOOLLY HAIR, AUTOSOMAL RECESSIVE 1, WITH OR WITHOUT HYPOTRICHOSIS. Last evaluated: 2011-08-01. Review status: no assertion criteria provided. Collection method: literature only. Allele origin: germline. Not counted in ClinVar's aggregate classification.

Literature cited by the submitters: PubMed 21426374 (cited by 3 submitters); PubMed 25119526 (cited by Kasturba Medical College, Manipal, Kasturba Medical College, Manipal, Manipal Academy of Higher Education, Manipal, India); PubMed 18297072 (cited by SIB Swiss Institute of Bioinformatics and OMIM); PubMed 19292720 (cited by SIB Swiss Institute of Bioinformatics); PubMed 36173926 (cited by SIB Swiss Institute of Bioinformatics).